The following is an entry in ClinVar:

NM_001206927.2(DNAH8):c.11184C>T (p.Pro3728=)

Genes: DNAH8 (dynein axonemal heavy chain 8; plus strand), DNAH8-AS1 (DNAH8 antisense RNA 1; minus strand). Cytogenetic location: 6p21.2.
Variant type: single nucleotide variant.
Coding change: c.11184C>T on transcript NM_001206927.2 (MANE Select); coding-DNA position 11184, C replaced by T.
Protein change: p.Pro3728=; no amino-acid change (proline 3728 retained).
Molecular consequence: synonymous variant.
Genome position (GRCh38, 1-based): chr6:38,929,576, C>T. VCF-style: chr6-38929576-C-T. GRCh37 (hg19) VCF-style: chr6-38897352-C-T.
Other names: c.10533C>T, p.Pro3511= (NM_001371.4).
Identifiers: ClinVar variation 3038416 (VCV003038416.2), dbSNP rs114401631, ClinGen allele CA3790951.

ClinVar aggregate classification (germline): Likely benign (0 of 4 stars; one submission).

Conditions:
DNAH8-related disorder. Also called: DNAH8-related condition.

Allele frequency attached by ClinVar (database versions not stated): 1000 Genomes Project 30x 0.00031.
gnomAD v4.1: 14 of 1,612,540 alleles (0.00087%); highest among the groups gnomAD compares: African/African-American, 0.017%; no homozygotes.

Submission:

PreventionGenetics, part of Exact Sciences
Classification: Likely benign for DNAH8-related condition. Last evaluated: 2019-05-03. Review status: no assertion criteria provided. Collection method: clinical testing. Allele origin: germline.
Comment: This variant is classified as likely benign based on ACMG/AMP sequence variant interpretation guidelines (Richards et al. 2015 PMID: 25741868, with internal and published modifications).